The following is an entry in ClinVar:

ClinVar aggregate classification (germline): Uncertain significance (1 of 4 stars; one submission).

Submission:

GeneDx
Classification: Uncertain significance. Last evaluated: 2023-10-10. Review status: criteria provided, single submitter. Criteria: GeneDx Variant Classification Process June 2021. Collection method: clinical testing. Allele origin: germline. Affected: yes.
Comment: Not observed at significant frequency in large population cohorts (gnomAD); In silico analysis supports that this missense variant has a deleterious effect on protein structure/function; Has not been previously published as pathogenic or benign to our knowledge.

NM_001429.4(EP300):c.6172C>T (p.Leu2058Phe)

Gene: EP300 (E1A binding protein p300; plus strand). Cytogenetic location: 22q13.2.
Variant type: single nucleotide variant.
Coding change: c.6172C>T on transcript NM_001429.4 (MANE Select); coding-DNA position 6172, C replaced by T.
Protein change: p.Leu2058Phe; replaces leucine 2058 with phenylalanine.
Molecular consequence: missense variant.
Genome position (GRCh38, 1-based): chr22:41,177,883, C>T. VCF-style: chr22-41177883-C-T. GRCh37 (hg19) VCF-style: chr22-41573887-C-T.
Other names: c.6094C>T, p.Leu2032Phe (NM_001362843.2); short protein forms L2032F, L2058F.
Identifiers: ClinVar variation 3365973 (VCV003365973.1).